The following is an entry in ClinVar:

NM_001904.4(CTNNB1):c.297C>G (p.Phe99Leu)

Genes: CTNNB1 (catenin beta 1; plus strand), LOC126806658 (BRD4-independent group 4 enhancer GRCh37_chr3:41265899-41267098; plus strand). Cytogenetic location: 3p22.1.
Variant type: single nucleotide variant.
Coding change: c.297C>G on transcript NM_001904.4 (MANE Select); coding-DNA position 297, C replaced by G.
Protein change: p.Phe99Leu; replaces phenylalanine 99 with leucine.
Molecular consequence: missense variant.
Genome position (GRCh38, 1-based): chr3:41,225,009, C>G. VCF-style: chr3-41225009-C-G. GRCh37 (hg19) VCF-style: chr3-41266500-C-G.
Other names: c.297C>G, p.Phe99Leu (NM_001098209.2, NM_001098210.2); c.276C>G, p.Phe92Leu (NM_001330729.2); short protein forms F99L, F92L.
Identifiers: ClinVar variation 2708594 (VCV002708594.3), dbSNP rs2125619940, ClinGen allele CA352228977.

ClinVar aggregate classification (germline): Uncertain significance (1 of 4 stars; one submission).

Submission:

Labcorp Genetics (formerly Invitae), Labcorp
Classification: Uncertain significance. Last evaluated: 2024-01-20. Review status: criteria provided, single submitter. Criteria: Invitae Variant Classification Sherloc (09022015). Collection method: clinical testing. Allele origin: germline.
Comment: This sequence change replaces phenylalanine, which is neutral and non-polar, with leucine, which is neutral and non-polar, at codon 99 of the CTNNB1 protein (p.Phe99Leu). This variant is not present in population databases (gnomAD no frequency). This variant has not been reported in the literature in individuals affected with CTNNB1-related conditions. Advanced modeling of protein sequence and biophysical properties (such as structural, functional, and spatial information, amino acid conservation, physicochemical variation, residue mobility, and thermodynamic stability) performed at Invitae indicates that this missense variant is not expected to disrupt CTNNB1 protein function with a negative predictive value of 80%. In summary, the available evidence is currently insufficient to determine the role of this variant in disease. Therefore, it has been classified as a Variant of Uncertain Significance.